The following is an entry in ClinVar:

NM_000535.7(PMS2):c.1286del (p.Thr429fs)

Gene: PMS2 (PMS1 homolog 2, mismatch repair system component; minus strand). Cytogenetic location: 7p22.1.
Variant type: Deletion.
Coding change: c.1286del on transcript NM_000535.7 (MANE Select); coding-DNA position 1286, one base deleted (C; older notation c.1286delC).
Protein change: p.Thr429fs; shifts the reading frame from threonine 429.
Molecular consequence: frameshift variant. On other transcripts: non-coding transcript variant (1), intron variant (1).
Genome position (GRCh38, 1-based): chr7:5,987,479, G deleted on the plus strand (C on the coding strand, the reverse complement: PMS2 is on the minus strand). VCF-style (leftmost placement, unchanged base first): chr7-5987478-TG-T. GRCh37 (hg19) VCF-style: chr7-6027109-TG-T.
Other names: c.1178del, p.Thr393fs (NM_001406869.1); c.1130del, p.Thr377fs (NM_001406870.1, NM_001322006.2); c.1286del, p.Thr429fs (NM_001406871.1, NM_001406872.1, NM_001322014.2); c.1088del, p.Thr363fs (NM_001406873.1); c.1118del, p.Thr373fs (NM_001406874.1); c.977del, p.Thr326fs (NM_001406875.1, NM_001406877.1, NM_001406878.1 and 5 more transcripts); c.968del, p.Thr323fs (NM_001406876.1, NM_001406883.1, NM_001406903.1 and 2 more transcripts); c.962del, p.Thr321fs (NM_001406884.1); and 13 more; short protein forms T118fs, T172fs, T238fs, T242fs, T258fs, T271fs, T274fs, T294fs.
Identifiers: ClinVar variation 4796564 (VCV004796564.3).
Genomic context (GRCh38, chr7:5,987,478, plus strand): 5'-CTGTCCTAGAGGGCTCCTTCTTGGTTCTGGAGTCTTTGGGCTGTGAGGCTTGTTCTCTGT[TG>T]TGTGACGAAGAGAAAAGGCCTCTCGCAGTCTGGAAATGGACACGTCTTTTTTTTCTTCTC-3'

ClinVar aggregate classification (germline): Pathogenic/Likely pathogenic. Review status: criteria provided, multiple submitters, no conflicts (2 of 4 stars). 2 submissions from 2 submitters: Pathogenic (1); Likely pathogenic (1). Last evaluated 2026-02-04.

Conditions:
Lynch syndrome 4 (LYNCH4). Also called: Hereditary non-polyposis colorectal cancer, type 4; Colorectal cancer, hereditary nonpolyposis, type 4. Identifiers: Orphanet 144, MedGen C1838333, MONDO:0013699, OMIM 614337. Disease mechanism: loss of function.

Submissions (2):

Myriad Genetics, Inc.
Classification: Pathogenic for Lynch syndrome 4. Last evaluated: 2026-02-04. Review status: criteria provided, single submitter. Criteria: Myriad Autosomal Dominant, Autosomal Recessive and X-Linked Classification Criteria (2023). Collection method: clinical testing. Allele origin: unknown.
Comment: This variant is considered pathogenic. This variant creates a frameshift predicted to result in premature protein truncation.

Juno Genomics, Hangzhou Juno Genomics, Inc
Classification: Likely pathogenic for Lynch syndrome 4. Review status: criteria provided, single submitter. Criteria: ACMG Guidelines, 2015. Collection method: clinical testing. Allele origin: germline.
Comment: Absent from controls (or at extremely low frequency if recessive) in Genome Aggregation Database.;Null variant in a gene where loss of function (LOF) is a known mechanism of disease.